The following is an entry in ClinVar:

NM_005026.5(PIK3CD):c.353G>A (p.Ser118Asn)

Gene: PIK3CD (phosphatidylinositol-4,5-bisphosphate 3-kinase catalytic subunit delta; plus strand). Cytogenetic location: 1p36.22.
Variant type: single nucleotide variant.
Coding change: c.353G>A on transcript NM_005026.5 (MANE Select); coding-DNA position 353, G replaced by A.
Protein change: p.Ser118Asn; replaces serine 118 with asparagine.
Molecular consequence: missense variant.
Genome position (GRCh38, 1-based): chr1:9,715,752, G>A. VCF-style: chr1-9715752-G-A. GRCh37 (hg19) VCF-style: chr1-9775810-G-A.
Other names: c.353G>A, p.Ser118Asn (NM_001350234.2, NM_001350235.1); short protein forms S118N.
Identifiers: ClinVar variation 3682796 (VCV003682796.2).
Genomic context (GRCh38, chr1:9,715,752, plus strand): 5'-TCCTGCGCCTGGTGGCCCGTGAGGGCGACCGCGTGAAGAAGCTCATCAACTCACAGATCA[G>A]CCTCCTCATCGGCAAAGGTAGCTCTGCCGAGTGGGCCGTGTGGCCGGGCTGGCCCTGCCT-3'
Protein context (NP_005017.3, residues 108-128): RVKKLINSQI[Ser118Asn]LLIGKGLHEF

ClinVar aggregate classification (germline): Uncertain significance (1 of 4 stars; one submission).

Conditions:
Immunodeficiency 14 (IMD14A). Also called: IMMUNODEFICIENCY 14A WITH LYMPHOPROLIFERATION, AUTOSOMAL DOMINANT; p110-DELTA-ACTIVATING MUTATION CAUSING SENESCENT T CELLS, LYMPHADENOPATHY, AND IMMUNODEFICIENCY; ACTIVATED PI3K-DELTA SYNDROME 1; Activated PI3K Delta Syndrome Type 1 (APDS1). Identifiers: Orphanet 397596, Orphanet 693661, MedGen C5907821, MONDO:0014222, OMIM 615513.

Submission:

Labcorp Genetics (formerly Invitae), Labcorp
Classification: Uncertain significance for Activated PI3K-delta syndrome. Last evaluated: 2024-09-09. Review status: criteria provided, single submitter. Criteria: Invitae Variant Classification Sherloc (09022015). Collection method: clinical testing. Allele origin: germline.
Comment: This sequence change replaces serine, which is neutral and polar, with asparagine, which is neutral and polar, at codon 118 of the PIK3CD protein (p.Ser118Asn). This variant is not present in population databases (gnomAD no frequency). This variant has not been reported in the literature in individuals affected with PIK3CD-related conditions. An algorithm developed to predict the effect of missense changes on protein structure and function (PolyPhen-2) suggests that this variant is likely to be tolerated. In summary, the available evidence is currently insufficient to determine the role of this variant in disease. Therefore, it has been classified as a Variant of Uncertain Significance.